The following is an entry in ClinVar:

ClinVar aggregate classification (germline): Likely benign. Review status: criteria provided, multiple submitters, no conflicts (2 of 4 stars). 3 submissions from 3 submitters: Likely benign (3). Last evaluated 2026-06-10.

Conditions:
TTN-related disorder. Also called: TTN-related condition; TTN-related disease; TTN-related disorders.
Cardiovascular phenotype. Identifiers: MedGen CN230736.
Autosomal recessive limb-girdle muscular dystrophy type 2J (LGMDR10). Also called: Limb-girdle muscular dystrophy, type 2J; MUSCULAR DYSTROPHY, LIMB-GIRDLE, AUTOSOMAL RECESSIVE 10. Identifiers: Orphanet 140922, MedGen C1837342, MONDO:0012127, OMIM 608807.
Dilated cardiomyopathy 1G (CMD1G). Identifiers: Orphanet 154, MedGen C1858763, MONDO:0011400, OMIM 604145.

Allele frequency attached by ClinVar (database versions not stated): TOPMed below 0.00001; gnomAD 0.00001.
gnomAD v4.1: 10 of 1,613,466 alleles (0.00062%); highest among the groups gnomAD compares: Non-Finnish European, 0.00076%; no homozygotes.

Submissions (3):

PreventionGenetics, part of Exact Sciences
Classification: Likely benign for TTN-related condition. Last evaluated: 2026-06-10. Review status: criteria provided, single submitter. Criteria: ACMG Guidelines, 2015. Collection method: clinical testing. Allele origin: germline.
Comment: This variant is classified as likely benign based on ACMG/AMP sequence variant interpretation guidelines (Richards et al. 2015 PMID: 25741868, with internal and published modifications).

Labcorp Genetics (formerly Invitae), Labcorp
Classification: Likely benign for Dilated cardiomyopathy 1G; Autosomal recessive limb-girdle muscular dystrophy type 2J. Last evaluated: 2025-10-19. Review status: criteria provided, single submitter. Criteria: Invitae Variant Classification Sherloc (09022015). Collection method: clinical testing. Allele origin: germline.

Ambry Genetics
Classification: Likely benign for Cardiovascular phenotype. Last evaluated: 2019-04-04. Review status: criteria provided, single submitter. Criteria: Ambry Variant Classification Scheme 2023. Collection method: clinical testing. Allele origin: germline.

NM_001267550.2(TTN):c.85731T>C (p.Asp28577=)

Genes: TTN (titin; minus strand), TTN-AS1 (TTN antisense RNA 1; plus strand). Cytogenetic location: 2q31.2.
Variant type: single nucleotide variant.
Coding change: c.85731T>C on transcript NM_001267550.2 (MANE Select); coding-DNA position 85731, T replaced by C.
Protein change: p.Asp28577=; no amino-acid change (aspartic acid 28577 retained).
Molecular consequence: synonymous variant.
Genome position (GRCh38, 1-based): chr2:178,560,401, A>G on the plus strand (T>C on the coding strand, the complement: TTN is on the minus strand). VCF-style: chr2-178560401-A-G. GRCh37 (hg19) VCF-style: chr2-179425128-A-G.
Other names: c.80808T>C, p.Asp26936= (NM_001256850.1); c.58536T>C, p.Asp19512= (NM_003319.4); c.78027T>C, p.Asp26009= (NM_133378.4); c.58911T>C, p.Asp19637= (NM_133432.3); c.59112T>C, p.Asp19704= (NM_133437.4).
Identifiers: ClinVar variation 700191 (VCV000700191.12), dbSNP rs1575612281, ClinGen allele CA430248347.